The following is an entry in ClinVar:

NM_000094.4(COL7A1):c.2474del (p.Asn825fs)

Gene: COL7A1 (collagen type VII alpha 1 chain; minus strand). Cytogenetic location: 3p21.31.
Variant type: Deletion.
Coding change: c.2474del on transcript NM_000094.4 (MANE Select); coding-DNA position 2474, one base deleted (A; older notation c.2474delA).
Protein change: p.Asn825fs; shifts the reading frame from asparagine 825.
Molecular consequence: frameshift variant.
Genome position (GRCh38, 1-based): chr3:48,588,755, T deleted on the plus strand (A on the coding strand, the reverse complement: COL7A1 is on the minus strand); the first of 3 consecutive T bases (chr3:48,588,755-48,588,757); deleting any one gives the same sequence. VCF-style (leftmost placement, unchanged base first): chr3-48588754-GT-G. GRCh37 (hg19) VCF-style: chr3-48626187-GT-G.
Other names: short protein forms N825fs.
Identifiers: ClinVar variation 2694807 (VCV002694807.3), dbSNP rs2531260480, ClinGen allele CA2697550940.
Genomic context (GRCh38, chr3:48,588,754, plus strand): 5'-AGTCACTCGCACTGAGTAGCTGACTCCACCTTCGAGACCCCGGATCTCTGCAGAGTCTGT[GT>G]TTCCTGGGAGTATCTGGTGCCTCATGGGGCCGCCTGGCCAGGTGGGCATACAGCAATGGT-3'

ClinVar aggregate classification (germline): Pathogenic (1 of 4 stars; one submission).

Submission:

Labcorp Genetics (formerly Invitae), Labcorp
Classification: Pathogenic. Last evaluated: 2023-11-10. Review status: criteria provided, single submitter. Criteria: Invitae Variant Classification Sherloc (09022015). Collection method: clinical testing. Allele origin: germline.
Comment: This sequence change creates a premature translational stop signal (p.Asn825Thrfs*20) in the COL7A1 gene. It is expected to result in an absent or disrupted protein product. Loss-of-function variants in COL7A1 are known to be pathogenic (PMID: 16971478). This variant is not present in population databases (gnomAD no frequency). This variant has not been reported in the literature in individuals affected with COL7A1-related conditions. For these reasons, this variant has been classified as Pathogenic.

Literature cited by the submitters: PubMed 16971478.